The following is an entry in ClinVar:

ClinVar aggregate classification (germline): Uncertain significance (1 of 4 stars; one submission).

Conditions:
Early-infantile DEE. Also called: Ohtahara syndrome; Early infantile epileptic encephalopathy; Early infantile epileptic encephalopathy with suppression bursts. Identifiers: Orphanet 1934, MedGen C0393706, MONDO:0800491.

Submission:

Labcorp Genetics (formerly Invitae), Labcorp
Classification: Uncertain significance for Early-infantile DEE. Last evaluated: 2023-08-05. Review status: criteria provided, single submitter. Criteria: Invitae Variant Classification Sherloc (09022015). Collection method: clinical testing. Allele origin: germline.
Comment: This variant is not present in population databases (gnomAD no frequency). This sequence change replaces valine, which is neutral and non-polar, with alanine, which is neutral and non-polar, at codon 1828 of the SPTAN1 protein (p.Val1828Ala). This variant has not been reported in the literature in individuals affected with SPTAN1-related conditions. In summary, the available evidence is currently insufficient to determine the role of this variant in disease. Therefore, it has been classified as a Variant of Uncertain Significance. Advanced modeling of protein sequence and biophysical properties (such as structural, functional, and spatial information, amino acid conservation, physicochemical variation, residue mobility, and thermodynamic stability) has been performed at Invitae for this missense variant, however the output from this modeling did not meet the statistical confidence thresholds required to predict the impact of this variant on SPTAN1 protein function.

NM_001130438.3(SPTAN1):c.5483T>C (p.Val1828Ala)

Gene: SPTAN1 (spectrin alpha, non-erythrocytic 1; plus strand). Cytogenetic location: 9q34.11.
Variant type: single nucleotide variant.
Coding change: c.5483T>C on transcript NM_001130438.3 (MANE Select); coding-DNA position 5483, T replaced by C.
Protein change: p.Val1828Ala; replaces valine 1828 with alanine.
Molecular consequence: missense variant.
Genome position (GRCh38, 1-based): chr9:128,617,991, T>C. VCF-style: chr9-128617991-T-C. GRCh37 (hg19) VCF-style: chr9-131380270-T-C.
Other names: c.5408T>C, p.Val1803Ala (NM_001195532.2); c.5483T>C, p.Val1828Ala (NM_001363759.2, NM_001375310.1, NM_001375311.2 and 1 more transcripts); c.5423T>C, p.Val1808Ala (NM_001363765.2, NM_001375314.2); c.5519T>C, p.Val1840Ala (NM_001375312.2, NM_001375318.1); c.5468T>C, p.Val1823Ala (NM_003127.4); short protein forms V1823A, V1828A, V1803A, V1808A, V1840A.
Identifiers: ClinVar variation 2750418 (VCV002750418.3), dbSNP rs2541950296, ClinGen allele CA375076779.